The following is an entry in ClinVar:

ClinVar aggregate classification (germline): Uncertain significance (1 of 4 stars; one submission).

Conditions:
Progressive myoclonic epilepsy. Also called: Familial progressive myoclonic epilepsy; Myoclonic Epilepsies, Progressive; Myoclonus epilepsy; Progressive myoclonus epilepsy. Identifiers: Orphanet 308, Orphanet 98261, MedGen C0751778, MONDO:0020074.

Submission:

Labcorp Genetics (formerly Invitae), Labcorp
Classification: Uncertain significance for Progressive myoclonic epilepsy. Last evaluated: 2025-02-28. Review status: criteria provided, single submitter. Criteria: Invitae Variant Classification Sherloc (09022015). Collection method: clinical testing. Allele origin: germline.
Comment: This sequence change replaces methionine, which is neutral and non-polar, with isoleucine, which is neutral and non-polar, at codon 179 of the GOSR2 protein (p.Met179Ile). This variant is not present in population databases (gnomAD no frequency). This variant has not been reported in the literature in individuals affected with GOSR2-related conditions. An algorithm developed to predict the effect of missense changes on protein structure and function (PolyPhen-2) suggests that this variant is likely to be tolerated. In summary, the available evidence is currently insufficient to determine the role of this variant in disease. Therefore, it has been classified as a Variant of Uncertain Significance.

NM_004287.5(GOSR2):c.537G>A (p.Met179Ile)

Genes: GOSR2 (golgi SNAP receptor complex member 2; plus strand), LRRC37A2 (leucine rich repeat containing 37 member A2). Cytogenetic location: 17q21.32.
Variant type: single nucleotide variant.
Coding change: c.537G>A on transcript NM_004287.5 (MANE Select); coding-DNA position 537, G replaced by A.
Protein change: p.Met179Ile; replaces methionine 179 with isoleucine.
Molecular consequence: missense variant. On other transcripts: non-coding transcript variant (3).
Genome position (GRCh38, 1-based): chr17:46,938,658, G>A. VCF-style: chr17-46938658-G-A. GRCh37 (hg19) VCF-style: chr17-45016024-G-A.
Other names: c.537G>A, p.Met179Ile (NM_001321133.2, NM_054022.4); c.342G>A, p.Met114Ile (NM_001321134.2); c.396G>A, p.Met132Ile (NM_001330252.2); c.534G>A, p.Met178Ile (NM_001353114.2); c.393G>A, p.Met131Ile (NM_001353115.2, NM_001353116.2); c.483G>A, p.Met161Ile (NM_001363851.2); short protein forms M114I, M132I, M131I, M161I, M178I, M179I.
Identifiers: ClinVar variation 3726743 (VCV003726743.2).